The following is an entry in ClinVar:

NM_001710.6(CFB):c.1379del (p.Asn460fs)

Gene: CFB (complement factor B; plus strand). Cytogenetic location: 6p21.33.
Variant type: Deletion.
Coding change: c.1379del on transcript NM_001710.6 (MANE Select); coding-DNA position 1379, one base deleted (A; older notation c.1379delA).
Protein change: p.Asn460fs; shifts the reading frame from asparagine 460.
Molecular consequence: frameshift variant.
Genome position (GRCh38, 1-based): chr6:31,949,528, A deleted; the last of 4 consecutive A bases (chr6:31,949,525-31,949,528); deleting any one gives the same sequence. VCF-style (leftmost placement, unchanged base first): chr6-31949524-GA-G. GRCh37 (hg19) VCF-style: chr6-31917301-GA-G.
Other names: short protein forms N460fs.
Identifiers: ClinVar variation 1898033 (VCV001898033.5), dbSNP rs2482696639, ClinGen allele CA2580074307.

ClinVar aggregate classification (germline): Uncertain significance (1 of 4 stars; one submission).

Submission:

Labcorp Genetics (formerly Invitae), Labcorp
Classification: Uncertain significance. Last evaluated: 2022-08-24. Review status: criteria provided, single submitter. Criteria: Invitae Variant Classification Sherloc (09022015). Collection method: clinical testing. Allele origin: germline.
Comment: In summary, the available evidence is currently insufficient to determine the role of this variant in disease. Therefore, it has been classified as a Variant of Uncertain Significance. This variant has not been reported in the literature in individuals affected with CFB-related conditions. This variant is not present in population databases (gnomAD no frequency). This sequence change creates a premature translational stop signal (p.Asn460Thrfs*9) in the CFB gene. It is expected to result in an absent or disrupted protein product. However, the current clinical and genetic evidence is not sufficient to establish whether loss-of-function variants in CFB cause disease.